The following is an entry in ClinVar:

ClinVar aggregate classification (germline): Uncertain significance (1 of 4 stars; one submission).

Conditions:
Hereditary cancer-predisposing syndrome. Also called: Neoplastic Syndromes, Hereditary; Tumor predisposition; Hereditary Cancer Syndrome; Hereditary neoplastic syndrome. Identifiers: Orphanet 140162, MedGen C0027672, MeSH D009386, MONDO:0015356.

Submission:

Color Diagnostics, LLC DBA Color Health
Classification: Uncertain significance for Hereditary cancer-predisposing syndrome. Last evaluated: 2020-07-06. Review status: criteria provided, single submitter. Criteria: ACMG Guidelines, 2015. Collection method: clinical testing. Allele origin: germline.
Comment: This missense variant replaces isoleucine with threonine at codon 1433 of the BRCA1 protein. Computational prediction suggests that this variant may not impact protein structure and function (internally defined REVEL score threshold <= 0.5, PMID: 27666373). To our knowledge, functional studies have not been reported for this variant. This variant has not been reported in individuals affected with hereditary cancer in the literature. This variant has not been identified in the general population by the Genome Aggregation Database (gnomAD). The available evidence is insufficient to determine the role of this variant in disease conclusively. Therefore, this variant is classified as a Variant of Uncertain Significance.

NM_007294.4(BRCA1):c.4298T>C (p.Ile1433Thr)

Gene: BRCA1 (BRCA1 DNA repair associated; minus strand). Cytogenetic location: 17q21.31.
Variant type: single nucleotide variant.
Coding change: c.4298T>C on transcript NM_007294.4 (MANE Select); coding-DNA position 4298, T replaced by C.
Protein change: p.Ile1433Thr; replaces isoleucine 1433 with threonine.
Molecular consequence: missense variant. On other transcripts: non-coding transcript variant (1).
Genome position (GRCh38, 1-based): chr17:43,082,463, A>G on the plus strand (T>C on the coding strand, the complement: BRCA1 is on the minus strand). VCF-style: chr17-43082463-A-G. GRCh37 (hg19) VCF-style: chr17-41234480-A-G.
Other names: c.911T>C, p.Ile304Thr (NM_001408415.1, NM_001408409.1, NM_001408411.1 and 2 more transcripts); c.3962T>C, p.Ile1321Thr (NM_001407958.1, NM_001407952.1, NM_001407953.1 and 3 more transcripts); c.3917T>C, p.Ile1306Thr (NM_001407960.1, NM_001407959.1); c.908T>C, p.Ile303Thr (NM_001408416.1, NM_001408413.1); c.4085T>C, p.Ile1362Thr (NM_001407571.1, NM_001407853.1, NM_001407894.1 and 12 more transcripts); c.4298T>C, p.Ile1433Thr (NM_001407581.1, NM_001407583.1, NM_001407582.1 and 23 more transcripts); c.3914T>C, p.Ile1305Thr (NM_001407963.1, NM_001407962.1); c.4154T>C, p.Ile1385Thr (NM_001407964.1, NM_001407740.1, NM_001407741.1 and 23 more transcripts); and 51 more; short protein forms I1386T, I1433T, I330T, I1264T, I1344T, I1391T, I1407T, I221T.
Identifiers: ClinVar variation 924219 (VCV000924219.4), dbSNP rs1317431294, ClinGen allele CA10593126.